The following is an entry in ClinVar:

ClinVar aggregate classification (germline): Pathogenic (1 of 4 stars; one submission).

Conditions:
Nemaline myopathy 2 (NEM2). Also called: Nemaline myopathy 2, autosomal recessive. Identifiers: MedGen C1850569, MONDO:0009725, OMIM 256030.

Allele frequency attached by ClinVar (database versions not stated): TOPMed 0.00001.

Submission:

Labcorp Genetics (formerly Invitae), Labcorp
Classification: Pathogenic for Nemaline myopathy 2. Last evaluated: 2022-03-04. Review status: criteria provided, single submitter. Criteria: Invitae Variant Classification Sherloc (09022015). Collection method: clinical testing. Allele origin: germline.
Comment: For these reasons, this variant has been classified as Pathogenic. This variant has not been reported in the literature in individuals affected with NEB-related conditions. This variant is not present in population databases (gnomAD no frequency). This sequence change creates a premature translational stop signal (p.Pro6462Thrfs*26) in the NEB gene. It is expected to result in an absent or disrupted protein product. Loss-of-function variants in NEB are known to be pathogenic (PMID: 25205138).

Literature cited by the submitters: PubMed 25205138.

NM_001164508.2(NEB):c.19384_19387del (p.Pro6462fs)

Gene: NEB (nebulin; minus strand). Cytogenetic location: 2q23.3.
Variant type: Deletion.
Coding change: c.19384_19387del on transcript NM_001164508.2 (MANE Select); coding-DNA positions 19384 to 19387, 4 bases deleted (CCGA; older notation c.19384_19387delCCGA).
Protein change: p.Pro6462fs; shifts the reading frame from proline 6462.
Molecular consequence: frameshift variant.
Genome position (GRCh38, 1-based): chr2:151,554,972-151,554,975, TCGG deleted on the plus strand (CCGA on the coding strand, the reverse complement: NEB is on the minus strand). VCF-style (leftmost placement, unchanged base first): chr2-151554971-TTCGG-T. GRCh37 (hg19) VCF-style: chr2-152411485-TTCGG-T.
Other names: c.19384_19387del, p.Pro6462fs (NM_001164507.2, NM_001271208.2); c.14281_14284del, p.Pro4761fs (NM_004543.5); short protein forms P4761fs, P6462fs.
Identifiers: ClinVar variation 1967053 (VCV001967053.5), dbSNP rs1327247430, ClinGen allele CA758863732.